The following is an entry in ClinVar:

ClinVar aggregate classification (germline): Conflicting classifications of pathogenicity. Review status: criteria provided, conflicting classifications (1 of 4 stars). 3 submissions from 3 submitters: Uncertain significance (2); Likely benign (1). Last evaluated 2024-08-02.

Conditions:
Inborn genetic diseases. Identifiers: MedGen C0950123, MeSH D030342.
Spastic paraplegia. Identifiers: MedGen C0037772, HP:0001258.

Allele frequency attached by ClinVar (database versions not stated): ExAC 0.00002; TOPMed 0.00003.
gnomAD v4.1: 12 of 1,209,097 alleles (0.00099%); highest among the groups gnomAD compares: Non-Finnish European, 0.0011%; no homozygotes.

Submissions (3):

Ambry Genetics
Classification: Uncertain significance for Inborn genetic diseases. Last evaluated: 2024-08-02. Review status: criteria provided, single submitter. Criteria: Ambry Variant Classification Scheme 2023. Collection method: clinical testing. Allele origin: germline.

Labcorp Genetics (formerly Invitae), Labcorp
Classification: Likely benign for Spastic paraplegia. Last evaluated: 2022-05-09. Review status: criteria provided, single submitter. Criteria: Invitae Variant Classification Sherloc (09022015). Collection method: clinical testing. Allele origin: germline.

GeneDx
Classification: Uncertain significance. Last evaluated: 2019-03-26. Review status: criteria provided, single submitter. Criteria: GeneDx Variant Classification Process June 2021. Collection method: clinical testing. Allele origin: germline. Affected: yes.
Comment: In silico analysis, which includes protein predictors and evolutionary conservation, supports a deleterious effect; Has not been previously published as pathogenic or benign to our knowledge

NM_004187.5(KDM5C):c.3088C>T (p.Arg1030Trp)

Gene: KDM5C (lysine demethylase 5C; minus strand). Cytogenetic location: Xp11.22.
Variant type: single nucleotide variant.
Coding change: c.3088C>T on transcript NM_004187.5 (MANE Select); coding-DNA position 3088, C replaced by T.
Protein change: p.Arg1030Trp; replaces arginine 1030 with tryptophan.
Molecular consequence: missense variant. On other transcripts: non-coding transcript variant (3).
Genome position (GRCh38, 1-based): chrX:53,195,948, G>A on the plus strand (C>T on the coding strand, the complement: KDM5C is on the minus strand). VCF-style: chrX-53195948-G-A. GRCh37 (hg19) VCF-style: chrX-53225130-G-A.
Other names: c.3088C>T (NM_004187.3); c.2887C>T, p.Arg963Trp (NM_001146702.2); c.3085C>T, p.Arg1029Trp (NM_001282622.3, NM_001353979.2, NM_001353982.2); c.3088C>T, p.Arg1030Trp (NM_001353978.3, NM_001353981.2, NM_001353984.2); short protein forms R1029W, R1030W, R963W.
Identifiers: ClinVar variation 1308358 (VCV001308358.7), dbSNP rs782388435, ClinGen allele CA10419284.
Genomic context (GRCh38, chrX:53,195,948, plus strand): 5'-CCTGGGGTGGGAGTGGCAGGGTCCTCACTTGGATCTCATCAACATCAGCAATCCAGGCCC[G>A]GGCCTTAGCAAGAGCCTCCTTGAGAGCCTGGATGTTGGGCAGGTGAACAGGGATGTTTTC-3'
Protein context (NP_004178.2, residues 1020-1040): QALKEALAKA[Arg1030Trp]AWIADVDEIQ